The following is an entry in ClinVar:

ClinVar aggregate classification (germline): Likely benign (1 of 4 stars; one submission).

gnomAD v4.1: 1,569 of 1,613,870 alleles (0.097%); highest among the groups gnomAD compares: South Asian, 0.79%; 15 homozygotes.

Submissions (4):

CeGaT Center for Human Genetics Tuebingen
Classification: Likely benign. Last evaluated: 2025-10-01. Review status: criteria provided, single submitter. Criteria: CeGaT Center For Human Genetics Tuebingen Variant Classification Criteria Version 2. Collection method: clinical testing. Allele origin: germline. Affected: yes. Observed: 1 variant allele.
Comment: OGFOD1: BP4, BP7, BS2

Dr. Peter K. Rogan Lab, Western University
No classification provided (evidence only). Condition: Clear cell carcinoma of kidney. Review status: no classification provided. Collection method: in vitro. Allele origin: not applicable. Functional consequence: retained intron. Not counted in ClinVar's aggregate classification.

Dr. Peter K. Rogan Lab, Western University
No classification provided (evidence only). Condition: Lung cancer. Review status: no classification provided. Collection method: in vitro. Allele origin: not applicable. Functional consequence: retained intron. Not counted in ClinVar's aggregate classification.

Dr. Peter K. Rogan Lab, Western University
No classification provided (evidence only). Condition: Melanoma. Review status: no classification provided. Collection method: in vitro. Allele origin: not applicable. Functional consequence: retained intron. Not counted in ClinVar's aggregate classification.

NM_018233.4(OGFOD1):c.1428C>T (p.Gly476=)

Genes: BBS2 (Bardet-Biedl syndrome 2; minus strand), OGFOD1 (2-oxoglutarate and iron dependent oxygenase domain containing 1; plus strand). Cytogenetic location: 16q13.
Variant type: single nucleotide variant.
Coding change: c.1428C>T on transcript NM_018233.4 (MANE Select); coding-DNA position 1428, C replaced by T.
Protein change: p.Gly476=; no amino-acid change (glycine 476 retained).
Molecular consequence: synonymous variant. On other transcripts: intron variant (1).
Genome position (GRCh38, 1-based): chr16:56,475,526, C>T. VCF-style: chr16-56475526-C-T. GRCh37 (hg19) VCF-style: chr16-56509438-C-T.
Other names: NC_000016.9:g.56509438C>T; c.1263C>T, p.Gly421= (NM_001324358.2, NM_001324361.1); c.1137C>T, p.Gly379= (NM_001324359.1, NM_001324360.2); c.1008C>T, p.Gly336= (NM_001324362.1); c.1314C>T, p.Gly438= (NM_001324363.2); c.*1-4912G>A (NM_001377456.1); c.1425C>T, p.Gly475= (NM_001324357.2).
Identifiers: ClinVar variation 4413036 (VCV004413036.7).
Genomic context (GRCh38, chr16:56,475,526, plus strand): 5'-AATAGGAGCTTTCTGAATGCTGTTTGTTTTTCTCTTGTAAGGCTGGGAGCCAGAATATGG[C>T]GGTTTTACTTCTTACATTGCCAAAGGTGAAGATGAAGAGGTAAGTTTCTTCTGATAGCAA-3'
Protein context (NP_060703.3, residues 466-486): CGCEGWEPEY[Gly476=]GFTSYIAKGE